The following is an entry in ClinVar:

ClinVar aggregate classification (germline): Benign. Review status: criteria provided, multiple submitters, no conflicts (2 of 4 stars). 2 submissions from 2 submitters: Benign (2). Last evaluated 2024-01-08.

Allele frequency attached by ClinVar (database versions not stated): gnomAD exomes 0.00120 and 0.00314; ExAC 0.00457; 1000 Genomes Project 0.01158; gnomAD 0.01173 and 0.01276; TOPMed 0.01271; ESP Exome Variant Server 0.01272; 1000 Genomes Project 30x 0.01280.
gnomAD v4.1: 3,602 of 1,611,564 alleles (0.22%); highest among the groups gnomAD compares: African/African-American, 4.1%; 58 homozygotes.

Submissions (2):

Women's Health and Genetics/Laboratory Corporation of America, LabCorp
Classification: Benign. Last evaluated: 2024-01-08. Review status: criteria provided, single submitter. Criteria: LabCorp Variant Classification Summary - May 2015. Collection method: clinical testing. Allele origin: germline.

GeneDx
Classification: Benign. Last evaluated: 2012-12-31. Review status: criteria provided, single submitter. Criteria: GeneDx Variant Classification (06012015). Collection method: clinical testing. Allele origin: germline. Affected: yes.
Comment: This variant is considered likely benign or benign based on one or more of the following criteria: it is a conservative change, it occurs at a poorly conserved position in the protein, it is predicted to be benign by multiple in silico algorithms, and/or has population frequency not consistent with disease.

NM_005472.4(KCNE3):c.*17C>T

Gene: KCNE3 (potassium voltage-gated channel subfamily E regulatory subunit 3; minus strand). Cytogenetic location: 11q13.4.
Variant type: single nucleotide variant.
Coding change: c.*17C>T on transcript NM_005472.4; 17 bases downstream of the stop codon, C replaced by T.
Molecular consequence: 3 prime UTR variant (on NM_005472.5).
Genome position (GRCh38, 1-based): chr11:74,457,235, G>A on the plus strand (C>T on the coding strand, the complement: KCNE3 is on the minus strand). VCF-style: chr11-74457235-G-A. GRCh37 (hg19) VCF-style: chr11-74168280-G-A.
Other names: c.*17C>T (NM_005472.5).
Identifiers: ClinVar variation 137979 (VCV000137979.3), dbSNP rs11822977, ClinGen allele CA291725.